The following is an entry in ClinVar:

ClinVar aggregate classification (germline): Conflicting classifications of pathogenicity. Review status: criteria provided, conflicting classifications (1 of 4 stars). 2 submissions from 2 submitters: Likely pathogenic (1); Uncertain significance (1). Last evaluated 2025-09-19.

Conditions:
Alport syndrome. Also called: Hemorrhagic familial nephritis; Hemorrhagic hereditary nephritis; Congenital hereditary hematuria. Identifiers: Orphanet 63, MedGen C1567741, MONDO:0018965.

Allele frequency attached by ClinVar (database versions not stated): gnomAD exomes below 0.00001.
gnomAD v4.1: 2 of 1,613,956 alleles (0.00012%); highest among the groups gnomAD compares: African/African-American, 0.0013%; no homozygotes.

Submissions (2):

Natera, Inc.
Classification: Likely pathogenic for Alport syndrome. Last evaluated: 2025-09-19. Review status: criteria provided, single submitter. Criteria: Natera Variant Classification Schema (03/2026). Collection method: clinical testing. Allele origin: germline.
Comment: The c.2935G>A variant in COL4A3 is a missense variant predicted to cause substitution of glycine to serine at amino acid 979. This variant is rare in the general population with a frequency below the threshold expected for the associated phenotype(s). This variant is located in a functionally critical region of the protein. Computational prediction algorithms indicate this variant is likely to affect gene or protein function. Given the available evidence, this variant is classified as Likely Pathogenic.

Women's Health and Genetics/Laboratory Corporation of America, LabCorp
Classification: Uncertain significance. Last evaluated: 2022-05-20. Review status: criteria provided, single submitter. Criteria: LabCorp Variant Classification Summary - May 2015. Collection method: clinical testing. Allele origin: germline.
Comment: Variant summary: COL4A3 c.2935G>A (p.Gly979Ser) results in a non-conservative amino acid change in the encoded protein sequence. Five of five in-silico tools predict a damaging effect of the variant on protein function. The variant was absent in 249188 control chromosomes. The available data on variant occurrences in the general population are insufficient to allow any conclusion about variant significance. To our knowledge, no occurrence of c.2935G>A in individuals affected with Alport Syndrome, Autosomal Recessive and no experimental evidence demonstrating its impact on protein function have been reported. No clinical diagnostic laboratories have submitted clinical-significance assessments for this variant to ClinVar after 2014. Based on the evidence outlined above, the variant was classified as uncertain significance.

NM_000091.5(COL4A3):c.2935G>A (p.Gly979Ser)

Genes: COL4A3 (collagen type IV alpha 3 chain; plus strand), MFF-DT (MFF divergent transcript; minus strand). Cytogenetic location: 2q36.3.
Variant type: single nucleotide variant.
Coding change: c.2935G>A on transcript NM_000091.5 (MANE Select); coding-DNA position 2935, G replaced by A.
Protein change: p.Gly979Ser; replaces glycine 979 with serine.
Molecular consequence: missense variant.
Genome position (GRCh38, 1-based): chr2:227,289,203, G>A. VCF-style: chr2-227289203-G-A. GRCh37 (hg19) VCF-style: chr2-228153919-G-A.
Other names: short protein forms G979S.
Identifiers: ClinVar variation 1696079 (VCV001696079.2), dbSNP rs948395447, ClinGen allele CA66605444.